The following is an entry in ClinVar:

NM_080605.4(B3GALT6):c.388G>A (p.Glu130Lys)

Gene: B3GALT6 (beta-1,3-galactosyltransferase 6; plus strand). Cytogenetic location: 1p36.33.
Variant type: single nucleotide variant.
Coding change: c.388G>A on transcript NM_080605.4 (MANE Select); coding-DNA position 388, G replaced by A.
Protein change: p.Glu130Lys; replaces glutamic acid 130 with lysine.
Molecular consequence: missense variant.
Genome position (GRCh38, 1-based): chr1:1,232,666, G>A. VCF-style: chr1-1232666-G-A. GRCh37 (hg19) VCF-style: chr1-1168046-G-A.
Other names: p.Glu130Lys; short protein forms E130K.
Identifiers: ClinVar variation 582960 (VCV000582960.17), dbSNP rs777778007, ClinGen allele CA513330.

ClinVar aggregate classification (germline): Benign/Likely benign. Review status: criteria provided, multiple submitters, no conflicts (2 of 4 stars). 5 submissions from 5 submitters: Benign (2); Likely benign (3). Last evaluated 2026-01-17.

Conditions:
B3GALT6-related disorder. Also called: B3GALT6-related condition.
Spondyloepimetaphyseal dysplasia with joint laxity (SEMDJL). Identifiers: MedGen C0432243, MONDO:0019675.
Ehlers-Danlos syndrome, spondylodysplastic type, 2 (EDSSPD2). Also called: Ehlers-Danlos syndrome, progeroid type, 2. Identifiers: Orphanet 536467, Orphanet 75496, MedGen C3809210, MONDO:0014139, OMIM 615349.

Allele frequency attached by ClinVar (database versions not stated): gnomAD exomes 0.00014 and 0.00030; TOPMed 0.00019; gnomAD 0.00020; ExAC 0.00027.

Submissions (5):

Labcorp Genetics (formerly Invitae), Labcorp
Classification: Benign for Ehlers-Danlos syndrome, spondylodysplastic type, 2; Spondyloepimetaphyseal dysplasia with joint laxity. Last evaluated: 2026-01-17. Review status: criteria provided, single submitter. Criteria: Invitae Variant Classification Sherloc (09022015). Collection method: clinical testing. Allele origin: germline.

PreventionGenetics, part of Exact Sciences
Classification: Benign for B3GALT6-related condition. Last evaluated: 2025-07-22. Review status: criteria provided, single submitter. Criteria: ACMG Guidelines, 2015. Collection method: clinical testing. Allele origin: germline.
Comment: This variant is classified as benign based on ACMG/AMP sequence variant interpretation guidelines (Richards et al. 2015 PMID: 25741868, with internal and published modifications).

Women's Health and Genetics/Laboratory Corporation of America, LabCorp
Classification: Likely benign. Last evaluated: 2025-03-10. Review status: criteria provided, single submitter. Criteria: LabCorp Variant Classification Summary - May 2015. Collection method: clinical testing. Allele origin: germline.
Comment: Variant summary: B3GALT6 c.388G>A (p.Glu130Lys) results in a conservative amino acid change in the encoded protein sequence. Four of five in-silico tools predict a benign effect of the variant on protein function. The variant allele was found at a frequency of 0.00016 in 1335734 control chromosomes, predominantly at a frequency of 0.0064 within the Ashkenazi Jewish subpopulation in the gnomAD database, including 1 homozygote. The observed variant frequency within Ashkenazi Jewish control individuals in the gnomAD database is approximately 6-fold of the estimated maximal expected allele frequency for a pathogenic variant in B3GALT6 causing Spondyloepimetaphyseal dysplasia with joint laxity, type 1, with or without fractures phenotype (0.0011). To our knowledge, no occurrence of c.388G>A in individuals affected with Spondyloepimetaphyseal dysplasia or other B3GALT6-related disorders and no experimental evidence demonstrating its impact on protein function have been reported. ClinVar contains an entry for this variant (Variation ID: 582960). Based on the evidence outlined above, the variant was classified as likely benign.

Mayo Clinic Laboratories, Mayo Clinic
Classification: Likely benign. Last evaluated: 2025-02-05. Review status: criteria provided, single submitter. Criteria: ACMG Guidelines, 2015. Collection method: clinical testing. Allele origin: germline. Observed: 2 variant alleles.
Comment: BS1, BP4

GeneDx
Classification: Likely benign. Last evaluated: 2021-05-03. Review status: criteria provided, single submitter. Criteria: GeneDx Variant Classification Process June 2021. Collection method: clinical testing. Allele origin: germline. Affected: yes.